The following is an entry in ClinVar:

NM_000834.5(GRIN2B):c.3498C>T (p.Ser1166=)

Gene: GRIN2B (glutamate ionotropic receptor NMDA type subunit 2B; minus strand). Cytogenetic location: 12p13.1.
Variant type: single nucleotide variant.
Coding change: c.3498C>T on transcript NM_000834.5 (MANE Select); coding-DNA position 3498, C replaced by T.
Protein change: p.Ser1166=; no amino-acid change (serine 1166 retained).
Molecular consequence: synonymous variant.
Genome position (GRCh38, 1-based): chr12:13,563,740, G>A on the plus strand (C>T on the coding strand, the complement: GRIN2B is on the minus strand). VCF-style: chr12-13563740-G-A. GRCh37 (hg19) VCF-style: chr12-13716674-G-A.
Other names: p.S1166S:TCC>TCT; p.Ser1166=; c.3498C>T (NM_000834.4).
Identifiers: ClinVar variation 129203 (VCV000129203.56), dbSNP rs45600931, ClinGen allele CA231151.

ClinVar aggregate classification (germline): Benign/Likely benign. Review status: criteria provided, multiple submitters, no conflicts (2 of 4 stars). 11 submissions from 11 submitters: Benign (9); Likely benign (1). 1 of the submissions does not count toward it. Last evaluated 2026-09-01.

Conditions:
Inborn genetic diseases. Identifiers: MedGen C0950123, MeSH D030342.
Intellectual developmental disorder, autosomal dominant 6, with or without seizures. Also called: Intellectual disability, autosomal dominant 6; GRIN2B-related developmental delay, intellectual disability and autism spectrum disorder. Identifiers: Orphanet 589547, MedGen C3151411, MONDO:0013509, OMIM 613970.
Developmental and epileptic encephalopathy, 27 (DEE27). Also called: Epileptic encephalopathy, early infantile, 27; GRIN2B-Related Neurodevelopmental Disorder. Identifiers: Orphanet 3451, MedGen C4015316, MONDO:0014505, OMIM 616139.

Allele frequency attached by ClinVar (database versions not stated): 1000 Genomes Project 0.00180; 1000 Genomes Project 30x 0.00203; TOPMed 0.00467; gnomAD 0.00523 and 0.00538; gnomAD exomes 0.00602; ExAC 0.00654; ESP Exome Variant Server 0.00677.
gnomAD v4.1: 11,682 of 1,613,862 alleles (0.72%); highest among the groups gnomAD compares: Non-Finnish European, 0.83%; 60 homozygotes.

Submissions (11):

CeGaT Center for Human Genetics Tuebingen
Classification: Likely benign. Last evaluated: 2026-09-01. Review status: criteria provided, single submitter. Criteria: CeGaT Center For Human Genetics Tuebingen Variant Classification Criteria Version 2. Collection method: clinical testing. Allele origin: germline. Affected: yes. Observed: 73 variant alleles.
Comment: GRIN2B: BP4, BP7, BS2

Labcorp Genetics (formerly Invitae), Labcorp
Classification: Benign for Developmental and epileptic encephalopathy, 27; Intellectual developmental disorder, autosomal dominant 6, with or without seizures. Last evaluated: 2026-02-03. Review status: criteria provided, single submitter. Criteria: Invitae Variant Classification Sherloc (09022015). Collection method: clinical testing. Allele origin: germline.

ARUP Laboratories, Molecular Genetics and Genomics, ARUP Laboratories
Classification: Benign. Last evaluated: 2025-02-28. Review status: criteria provided, single submitter. Criteria: ARUP Molecular Germline Variant Investigation Process 2024. Collection method: clinical testing. Allele origin: germline.

Mayo Clinic Laboratories, Mayo Clinic
Classification: Benign. Last evaluated: 2020-01-08. Review status: criteria provided, single submitter. Criteria: ACMG Guidelines, 2015. Collection method: clinical testing. Allele origin: germline. Observed: 5 variant alleles.

Athena Diagnostics
Classification: Benign. Last evaluated: 2017-06-26. Review status: criteria provided, single submitter. Criteria: Athena Diagnostics Criteria. Collection method: clinical testing. Allele origin: germline.

Ambry Genetics
Classification: Benign for Inborn genetic diseases. Last evaluated: 2016-06-08. Review status: criteria provided, single submitter. Criteria: Ambry Variant Classification Scheme 2023. Collection method: clinical testing. Allele origin: germline.

Genetic Services Laboratory, University of Chicago
Classification: Benign. Last evaluated: 2015-09-22. Review status: criteria provided, single submitter. Criteria: ACMG Guidelines, 2015. Collection method: clinical testing. Allele origin: germline. Affected: no.

Genome Diagnostics Laboratory, University Medical Center Utrecht
Classification: Benign for Intellectual developmental disorder, autosomal dominant 6, with or without seizures. Last evaluated: 2014-10-10. Review status: criteria provided, single submitter. Criteria: ACGS Guidelines, 2013. Collection method: clinical testing. Allele origin: germline. Affected: yes. Study: VKGL Data-share Consensus.

GeneDx
Classification: Benign. Last evaluated: 2014-02-20. Review status: criteria provided, single submitter. Criteria: GeneDx Variant Classification (06012015). Collection method: clinical testing. Allele origin: germline. Affected: yes.
Comment: This variant is considered likely benign or benign based on one or more of the following criteria: it is a conservative change, it occurs at a poorly conserved position in the protein, it is predicted to be benign by multiple in silico algorithms, and/or has population frequency not consistent with disease.

Breakthrough Genomics
Classification: Benign. Review status: criteria provided, single submitter. Criteria: ACMG Guidelines, 2015. Collection method: not provided. Allele origin: germline. Inheritance: Autosomal dominant inheritance. Affected: yes.

Diagnostic Laboratory, Department of Genetics, University Medical Center Groningen
Classification: Likely benign for Intellectual developmental disorder, autosomal dominant 6, with or without seizures. Review status: no assertion criteria provided. Collection method: clinical testing. Allele origin: germline. Affected: yes. Study: VKGL Data-share Consensus. Not counted in ClinVar's aggregate classification.